The following is an entry in ClinVar:

NM_001184880.2(PCDH19):c.88G>A (p.Glu30Lys)

Gene: PCDH19 (protocadherin 19; minus strand). Cytogenetic location: Xq22.1.
Variant type: single nucleotide variant.
Coding change: c.88G>A on transcript NM_001184880.2 (MANE Select); coding-DNA position 88, G replaced by A.
Protein change: p.Glu30Lys; replaces glutamic acid 30 with lysine.
Molecular consequence: missense variant.
Genome position (GRCh38, 1-based): chrX:100,408,510, C>T on the plus strand (G>A on the coding strand, the complement: PCDH19 is on the minus strand). VCF-style: chrX-100408510-C-T. GRCh37 (hg19) VCF-style: chrX-99663508-C-T.
Other names: c.88G>A (NM_001184880.1); c.88G>A, p.Glu30Lys (NM_001105243.2, NM_020766.3); short protein forms E30K.
Identifiers: ClinVar variation 1354786 (VCV001354786.9), dbSNP rs931969825, ClinGen allele CA333826111.
Genomic context (GRCh38, chrX:100,408,510, plus strand): 5'-CCGCCTCTCGCGCGTCTTTGGCCACGTTGGCAATCACCGTCCCGGCGCGCTGCTCCTCTT[C>T]TACCGAGTACTTGAGATTAATGAGGGCGGCAGCCTGCGTCCACAGTATGGCCAGCAGCAG-3'
Protein context (NP_001171809.1, residues 20-40): AALINLKYSV[Glu30Lys]EEQRAGTVIA

ClinVar aggregate classification (germline): Uncertain significance. Review status: criteria provided, multiple submitters, no conflicts (2 of 4 stars). 2 submissions from 2 submitters: Uncertain significance (2). Last evaluated 2025-12-08.

Conditions:
Inborn genetic diseases. Identifiers: MedGen C0950123, MeSH D030342.
Developmental and epileptic encephalopathy, 9 (DEE9). Also called: Early infantile epileptic encephalopathy 9; JUBERG-HELLMAN SYNDROME; PCDH19-Related X-Linked Female-Limited Epilepsy with Mental Retardation; EPILEPSY, FEMALE-RESTRICTED, WITH MENTAL RETARDATION. Identifiers: Orphanet 101039, Orphanet 2076, MedGen C1848137, MONDO:0010246, OMIM 300088. Disease mechanism: loss of function.

Allele frequency attached by ClinVar (database versions not stated): gnomAD exomes below 0.00001; TOPMed 0.00002.
gnomAD v4.1: 2 of 1,201,479 alleles (0.00017%); highest among the groups gnomAD compares: Non-Finnish European, 0.00022%; no homozygotes.

Submissions (2):

Labcorp Genetics (formerly Invitae), Labcorp
Classification: Uncertain significance for Developmental and epileptic encephalopathy, 9. Last evaluated: 2025-12-08. Review status: criteria provided, single submitter. Criteria: Invitae Variant Classification Sherloc (09022015). Collection method: clinical testing. Allele origin: germline.
Comment: This sequence change replaces glutamic acid, which is acidic and polar, with lysine, which is basic and polar, at codon 30 of the PCDH19 protein (p.Glu30Lys). This variant is not present in population databases (gnomAD no frequency). This variant has not been reported in the literature in individuals affected with PCDH19-related conditions. ClinVar contains an entry for this variant (Variation ID: 1354786). Invitae Evidence Modeling of protein sequence and biophysical properties (such as structural, functional, and spatial information, amino acid conservation, physicochemical variation, residue mobility, and thermodynamic stability) indicates that this missense variant is not expected to disrupt PCDH19 protein function with a negative predictive value of 95%. In summary, the available evidence is currently insufficient to determine the role of this variant in disease. Therefore, it has been classified as a Variant of Uncertain Significance.

Ambry Genetics
Classification: Uncertain significance for Inborn genetic diseases. Last evaluated: 2024-10-29. Review status: criteria provided, single submitter. Criteria: Ambry Variant Classification Scheme 2023. Collection method: clinical testing. Allele origin: germline.